The following is an entry in ClinVar:

ClinVar aggregate classification (germline): Uncertain significance. Review status: criteria provided, multiple submitters, no conflicts (2 of 4 stars). 2 submissions from 2 submitters: Uncertain significance (2). Last evaluated 2024-01-16.

Conditions:
Inborn genetic diseases. Identifiers: MedGen C0950123, MeSH D030342.

Allele frequency attached by ClinVar (database versions not stated): gnomAD exomes 0.00002; ExAC 0.00003; gnomAD 0.00007 and 0.00008; TOPMed 0.00009.
gnomAD v4.1: 19 of 1,613,714 alleles (0.0012%); highest among the groups gnomAD compares: African/African-American, 0.016%; no homozygotes.

Submissions (2):

Ambry Genetics
Classification: Uncertain significance for Inborn genetic diseases. Last evaluated: 2024-01-16. Review status: criteria provided, single submitter. Criteria: Ambry Variant Classification Scheme 2023. Collection method: clinical testing. Allele origin: germline.

Labcorp Genetics (formerly Invitae), Labcorp
Classification: Uncertain significance. Last evaluated: 2023-12-07. Review status: criteria provided, single submitter. Criteria: Invitae Variant Classification Sherloc (09022015). Collection method: clinical testing. Allele origin: germline.
Comment: This sequence change replaces cysteine, which is neutral and slightly polar, with arginine, which is basic and polar, at codon 349 of the RTN4IP1 protein (p.Cys349Arg). This variant is present in population databases (rs773531879, gnomAD 0.01%). This variant has not been reported in the literature in individuals affected with RTN4IP1-related conditions. ClinVar contains an entry for this variant (Variation ID: 1054741). Advanced modeling of protein sequence and biophysical properties (such as structural, functional, and spatial information, amino acid conservation, physicochemical variation, residue mobility, and thermodynamic stability) performed at Invitae indicates that this missense variant is not expected to disrupt RTN4IP1 protein function with a negative predictive value of 80%. In summary, the available evidence is currently insufficient to determine the role of this variant in disease. Therefore, it has been classified as a Variant of Uncertain Significance.

NM_032730.5(RTN4IP1):c.1045T>C (p.Cys349Arg)

Gene: RTN4IP1 (reticulon 4 interacting protein 1; minus strand). Cytogenetic location: 6q21.
Variant type: single nucleotide variant.
Coding change: c.1045T>C on transcript NM_032730.5 (MANE Select); coding-DNA position 1045, T replaced by C.
Protein change: p.Cys349Arg; replaces cysteine 349 with arginine.
Molecular consequence: missense variant.
Genome position (GRCh38, 1-based): chr6:106,583,366, A>G on the plus strand (T>C on the coding strand, the complement: RTN4IP1 is on the minus strand). VCF-style: chr6-106583366-A-G. GRCh37 (hg19) VCF-style: chr6-107031241-A-G.
Other names: c.745T>C, p.Cys249Arg (NM_001318746.1); c.1045T>C (NM_032730.4); short protein forms C249R, C349R.
Identifiers: ClinVar variation 1054741 (VCV001054741.6), dbSNP rs773531879, ClinGen allele CA3944301.
Genomic context (GRCh38, chr6:106,583,366, plus strand): 5'-CCAGGTTTCCAGGTGCACGTACCTTTCCCGCATCCACCAGTTCTGCAATGTCATCTAAAC[A>G]TGGGCCACTGGCCATGAAAAATGCCCAGCGATAATGGACTCCTTTCCAGAAATGCTAAAA-3'
Protein context (NP_116119.2, residues 339-359): RWAFFMASGP[Cys349Arg]LDDIAELVDA